The following is an entry in ClinVar:

NM_001127222.2(CACNA1A):c.751A>G (p.Lys251Glu)

Gene: CACNA1A (calcium voltage-gated channel subunit alpha1 A; minus strand). Cytogenetic location: 19p13.13.
Variant type: single nucleotide variant.
Coding change: c.751A>G on transcript NM_001127222.2 (MANE Select); coding-DNA position 751, A replaced by G.
Protein change: p.Lys251Glu; replaces lysine 251 with glutamic acid.
Molecular consequence: missense variant.
Genome position (GRCh38, 1-based): chr19:13,365,350, T>C on the plus strand (A>G on the coding strand, the complement: CACNA1A is on the minus strand). VCF-style: chr19-13365350-T-C. GRCh37 (hg19) VCF-style: chr19-13476164-T-C.
Other names: c.751A>G, p.Lys251Glu (NM_000068.4, NM_001127221.2, NM_001174080.2 and 1 more transcripts); short protein forms K251E.
Identifiers: ClinVar variation 1306664 (VCV001306664.2), dbSNP rs2144522916, ClinGen allele CA404348367.
Genomic context (GRCh38, chr19:13,365,350, plus strand): 5'-AAGATGCATCATGCTCCGTGGACCTACCTGTCCCCTCTTCAAAGCAGGTGGTATGAAATT[T>C]TCCCATATAAAATTCTAACCCTATGATTGCAAAAATAAGGATTGCAAAAAATAGGAGGAG-3'
Protein context (NP_001120694.1, residues 241-261): AIIGLEFYMG[Lys251Glu]FHTTCFEEGT

ClinVar aggregate classification (germline): Uncertain significance (1 of 4 stars; one submission).

Submission:

GeneDx
Classification: Uncertain significance. Last evaluated: 2019-07-09. Review status: criteria provided, single submitter. Criteria: GeneDx Variant Classification Process June 2021. Collection method: clinical testing. Allele origin: germline. Affected: yes.
Comment: Not observed in large population cohorts (Lek et al., 2016); In silico analysis, which includes protein predictors and evolutionary conservation, supports a deleterious effect; Has not been previously published as pathogenic or benign to our knowledge